The following is an entry in ClinVar:

NM_031935.3(HMCN1):c.5657C>A (p.Ala1886Asp)

Gene: HMCN1 (hemicentin 1; plus strand). Cytogenetic location: 1q31.1.
Variant type: single nucleotide variant.
Coding change: c.5657C>A on transcript NM_031935.3 (MANE Select); coding-DNA position 5657, C replaced by A.
Protein change: p.Ala1886Asp; replaces alanine 1886 with aspartic acid.
Molecular consequence: missense variant.
Genome position (GRCh38, 1-based): chr1:186,023,061, C>A. VCF-style: chr1-186023061-C-A. GRCh37 (hg19) VCF-style: chr1-185992193-C-A.
Other names: short protein forms A1886D.
Identifiers: ClinVar variation 4718736 (VCV004718736.1).

ClinVar aggregate classification (germline): Uncertain significance (1 of 4 stars; one submission).

Submission:

Labcorp Genetics (formerly Invitae), Labcorp
Classification: Uncertain significance. Last evaluated: 2025-05-07. Review status: criteria provided, single submitter. Criteria: Invitae Variant Classification Sherloc (09022015). Collection method: clinical testing. Allele origin: germline.
Comment: This sequence change replaces alanine, which is neutral and non-polar, with aspartic acid, which is acidic and polar, at codon 1886 of the HMCN1 protein (p.Ala1886Asp). This variant is not present in population databases (gnomAD no frequency). This variant has not been reported in the literature in individuals affected with HMCN1-related conditions. An algorithm developed to predict the effect of missense changes on protein structure and function (PolyPhen-2) suggests that this variant is likely to be disruptive. In summary, the available evidence is currently insufficient to determine the role of this variant in disease. Therefore, it has been classified as a Variant of Uncertain Significance.